The following is an entry in ClinVar:

NM_000271.5(NPC1):c.916G>A (p.Asp306Asn)

Gene: NPC1 (NPC intracellular cholesterol transporter 1; minus strand). Cytogenetic location: 18q11.2.
Variant type: single nucleotide variant.
Coding change: c.916G>A on transcript NM_000271.5 (MANE Select); coding-DNA position 916, G replaced by A.
Protein change: p.Asp306Asn; replaces aspartic acid 306 with asparagine.
Molecular consequence: missense variant.
Genome position (GRCh38, 1-based): chr18:23,557,156, C>T on the plus strand (G>A on the coding strand, the complement: NPC1 is on the minus strand). VCF-style: chr18-23557156-C-T. GRCh37 (hg19) VCF-style: chr18-21137120-C-T.
Other names: short protein forms D306N.
Identifiers: ClinVar variation 502701 (VCV000502701.10), dbSNP rs747243586, ClinGen allele CA8913595.
Genomic context (GRCh38, chr18:23,557,156, plus strand): 5'-TTCATGGACAAATATGCCTACCTTTGTCACTTGCATTAACAGAAAAAGCTATATTGCTAT[C>T]GATGGGAGTGTACTCGGAGACAAAATACCGTTTTCTGAAAAACAGAAGTGAAGAAATAGC-3'
Protein context (NP_000262.2, residues 296-316): RYFVSEYTPI[Asp306Asn]SNIAFSVNAS

ClinVar aggregate classification (germline): Uncertain significance. Review status: criteria provided, multiple submitters, no conflicts (2 of 4 stars). 2 submissions from 2 submitters: Uncertain significance (2). Last evaluated 2022-04-22.

Conditions:
Niemann-Pick disease, type C1. Also called: NIEMANN-PICK DISEASE, VARIANT TYPE C1; NEUROVISCERAL STORAGE DISEASE WITH VERTICAL SUPRANUCLEAR OPHTHALMOPLEGIA; NIEMANN-PICK DISEASE WITH CHOLESTEROL ESTERIFICATION BLOCK; NIEMANN-PICK DISEASE WITHOUT SPHINGOMYELINASE DEFICIENCY; NIEMANN-PICK DISEASE, CHRONIC NEURONOPATHIC FORM. Identifiers: Orphanet 646, MedGen C3179455, MONDO:0009757, OMIM 257220.

Allele frequency attached by ClinVar (database versions not stated): gnomAD exomes below 0.00001; ExAC 0.00001; gnomAD 0.00001 and 0.00002; TOPMed 0.00002.
gnomAD v4.1: 9 of 1,613,646 alleles (0.00056%); highest among the groups gnomAD compares: South Asian, 0.0033%; no homozygotes.

Submissions (2):

Labcorp Genetics (formerly Invitae), Labcorp
Classification: Uncertain significance for Niemann-Pick disease, type C1. Last evaluated: 2022-04-22. Review status: criteria provided, single submitter. Criteria: Invitae Variant Classification Sherloc (09022015). Collection method: clinical testing. Allele origin: germline.
Comment: This sequence change replaces aspartic acid, which is acidic and polar, with asparagine, which is neutral and polar, at codon 306 of the NPC1 protein (p.Asp306Asn). The frequency data for this variant in the population databases is considered unreliable, as metrics indicate poor data quality at this position in the gnomAD database. This variant has not been reported in the literature in individuals affected with NPC1-related conditions. ClinVar contains an entry for this variant (Variation ID: 502701). Advanced modeling of protein sequence and biophysical properties (such as structural, functional, and spatial information, amino acid conservation, physicochemical variation, residue mobility, and thermodynamic stability) performed at Invitae indicates that this missense variant is not expected to disrupt NPC1 protein function. In summary, the available evidence is currently insufficient to determine the role of this variant in disease. Therefore, it has been classified as a Variant of Uncertain Significance.

Eurofins Ntd Llc (ga)
Classification: Uncertain significance. Last evaluated: 2017-06-22. Review status: criteria provided, single submitter. Criteria: EGL Classification Definitions 2015. Collection method: clinical testing. Allele origin: germline. Observed: 1 variant allele, 1 heterozygote.